The following is an entry in ClinVar:

ClinVar aggregate classification (germline): Pathogenic (1 of 4 stars; one submission).

Conditions:
Duchenne muscular dystrophy (DMD). Also called: Duchenne Muscular Dystrophy (DMD); MUSCULAR DYSTROPHY, PSEUDOHYPERTROPHIC PROGRESSIVE, DUCHENNE TYPE. Identifiers: Orphanet 98896, MedGen C0013264, MONDO:0010679, OMIM 310200.

Submission:

Labcorp Genetics (formerly Invitae), Labcorp
Classification: Pathogenic for Duchenne muscular dystrophy. Last evaluated: 2017-10-24. Review status: criteria provided, single submitter. Criteria: Invitae Variant Classification Sherloc (09022015). Collection method: clinical testing. Allele origin: germline.
Comment: This sequence change creates a premature translational stop signal (p.Glu2699Alafs*5) in the DMD gene. It is expected to result in an absent or disrupted protein product. This variant is not present in population databases (ExAC no frequency). This variant has not been reported in the literature in individuals with DMD-related disease. Loss-of-function variants in DMD are known to be pathogenic (PMID: 16770791, 25007885). For these reasons, this variant has been classified as Pathogenic.

NM_004006.3(DMD):c.8096_8112del (p.Glu2699fs)

Gene: DMD (dystrophin; minus strand). Cytogenetic location: Xp21.1.
Variant type: Deletion.
Coding change: c.8096_8112del on transcript NM_004006.3 (MANE Select); coding-DNA positions 8096 to 8112, 17 bases deleted (AAAAGTTTCTTGCCTGG).
Protein change: p.Glu2699fs; shifts the reading frame from glutamic acid 2699.
Molecular consequence: frameshift variant.
Genome position (GRCh38, 1-based): chrX:31,627,778-31,627,794, CCAGGCAAGAAACTTTT deleted on the plus strand (AAAAGTTTCTTGCCTGG on the coding strand, the reverse complement: DMD is on the minus strand); deleting any 17 consecutive bases within chrX:31,627,778-31,627,799 gives the same sequence; the c. name uses the placement nearest the transcript's 3' end. VCF-style (leftmost placement, unchanged base first): chrX-31627777-GCCAGGCAAGAAACTTTT-G. GRCh37 (hg19) VCF-style: chrX-31645894-GCCAGGCAAGAAACTTTT-G.
Other names: c.8096_8112delAAAAGTTTCTTGCCTGG (NM_004006.2); c.8072_8088del, p.Glu2691fs (NM_000109.4); c.8084_8100del, p.Glu2695fs (NM_004009.3); c.7727_7743del, p.Glu2576fs (NM_004010.3); c.4073_4089del, p.Glu1358fs (NM_004011.4); c.4064_4080del, p.Glu1355fs (NM_004012.4); c.716_732del, p.Glu239fs (NM_004013.3, NM_004020.4, NM_004021.3 and 2 more transcripts); short protein forms E2576fs, E2695fs, E1358fs, E2691fs, E239fs, E1355fs, E2699fs.
Identifiers: ClinVar variation 526050 (VCV000526050.1), dbSNP rs1556764880, ClinGen allele CA658799640.